The following is an entry in ClinVar:

NM_172166.4(MSH5):c.2165C>T (p.Pro722Leu)

Genes: MSH5 (mutS homolog 5; plus strand), MSH5-SAPCD1 (MSH5-SAPCD1 readthrough (NMD candidate); plus strand). Cytogenetic location: 6p21.33.
Variant type: single nucleotide variant.
Coding change: c.2165C>T on transcript NM_172166.4 (MANE Select); coding-DNA position 2165, C replaced by T.
Protein change: p.Pro722Leu; replaces proline 722 with leucine.
Molecular consequence: missense variant. On other transcripts: non-coding transcript variant (1).
Genome position (GRCh38, 1-based): chr6:31,761,599, C>T. VCF-style: chr6-31761599-C-T. GRCh37 (hg19) VCF-style: chr6-31729376-C-T.
Other names: c.2165C>T, p.Pro722Leu (NM_002441.5); c.2219C>T, p.Pro740Leu (NM_025259.6); c.2168C>T, p.Pro723Leu (NM_172165.4); short protein forms P722L, P740L, P723L.
Identifiers: ClinVar variation 3913680 (VCV003913680.2).

ClinVar aggregate classification (germline): Uncertain significance. Review status: criteria provided, multiple submitters, no conflicts (2 of 4 stars). 2 submissions from 2 submitters: Uncertain significance (2). Last evaluated 2026-09-01.

gnomAD v4.1: 48 of 1,613,988 alleles (0.003%); highest among the groups gnomAD compares: African/African-American, 0.028%; no homozygotes.

Submissions (2):

CeGaT Center for Human Genetics Tuebingen
Classification: Uncertain significance. Last evaluated: 2026-09-01. Review status: criteria provided, single submitter. Criteria: CeGaT Center For Human Genetics Tuebingen Variant Classification Criteria Version 2. Collection method: clinical testing. Allele origin: germline. Affected: yes. Observed: 1 variant allele.
Comment: MSH5: PM2, PP3

Ambry Genetics
Classification: Uncertain significance. Last evaluated: 2025-04-06. Review status: criteria provided, single submitter. Criteria: Ambry Variant Classification Scheme 2023. Collection method: clinical testing. Allele origin: germline.